The following is an entry in ClinVar:

NM_004304.5(ALK):c.3938G>A (p.Trp1313Ter)

Gene: ALK (ALK receptor tyrosine kinase; minus strand). Cytogenetic location: 2p23.2.
Variant type: single nucleotide variant.
Coding change: c.3938G>A on transcript NM_004304.5 (MANE Select); coding-DNA position 3938, G replaced by A.
Protein change: p.Trp1313Ter; replaces tryptophan 1313 with a stop codon.
Molecular consequence: nonsense.
Genome position (GRCh38, 1-based): chr2:29,207,171, C>T on the plus strand (G>A on the coding strand, the complement: ALK is on the minus strand). VCF-style: chr2-29207171-C-T. GRCh37 (hg19) VCF-style: chr2-29430037-C-T.
Other names: c.734G>A, p.Trp245Ter (NM_001353765.2); short protein forms W1313*, W245*.
Identifiers: ClinVar variation 654329 (VCV000654329.8), dbSNP rs1573098889, ClinGen allele CA346468431.
Genomic context (GRCh38, chr2:29,207,171, plus strand): 5'-TTGGCCCAGGAGCACCACCTTATGGCTGCAGGGATACCTGGAGGATGATGGCTGACTTAC[C>T]ATGTGTCTGTTTTAGAAGTGAATATTCCTTCCATGAAGGCCTCTGGGGGCATCCACTTAA-3'

ClinVar aggregate classification (germline): Conflicting classifications of pathogenicity. Review status: criteria provided, conflicting classifications (1 of 4 stars). 3 submissions from 3 submitters: Uncertain significance (2); Likely benign (1). Last evaluated 2025-05-16.

Conditions:
Hereditary cancer-predisposing syndrome. Also called: Neoplastic Syndromes, Hereditary; Hereditary neoplastic syndrome; Hereditary Cancer Syndrome; Tumor predisposition. Identifiers: Orphanet 140162, MedGen C0027672, MeSH D009386, MONDO:0015356.
Neuroblastoma, susceptibility to, 3. Also called: ALK-Related Neuroblastic Tumor Susceptibility. Identifiers: Orphanet 635, MedGen C2751681, MONDO:0013083, OMIM 613014.

Submissions (3):

Ambry Genetics
Classification: Likely benign for Hereditary cancer-predisposing syndrome. Last evaluated: 2025-05-16. Review status: criteria provided, single submitter. Criteria: Ambry Variant Classification Scheme 2023. Collection method: clinical testing. Allele origin: germline.

Labcorp Genetics (formerly Invitae), Labcorp
Classification: Uncertain significance for Neuroblastoma, susceptibility to, 3. Last evaluated: 2025-03-03. Review status: criteria provided, single submitter. Criteria: Invitae Variant Classification Sherloc (09022015). Collection method: clinical testing. Allele origin: germline.
Comment: This sequence change creates a premature translational stop signal (p.Trp1313*) in the ALK gene. It is expected to result in an absent or disrupted protein product. However, the current clinical and genetic evidence is not sufficient to establish whether loss-of-function variants in ALK cause disease. This variant is not present in population databases (gnomAD no frequency). This variant has not been reported in the literature in individuals affected with ALK-related conditions. ClinVar contains an entry for this variant (Variation ID: 654329). Algorithms developed to predict the effect of sequence changes on RNA splicing suggest that this variant may disrupt the consensus splice site. In summary, the available evidence is currently insufficient to determine the role of this variant in disease. Therefore, it has been classified as a Variant of Uncertain Significance.

GeneDx
Classification: Uncertain significance. Last evaluated: 2022-11-23. Review status: criteria provided, single submitter. Criteria: GeneDx Variant Classification Process June 2021. Collection method: clinical testing. Allele origin: germline. Affected: yes.
Comment: Not observed at significant frequency in large population cohorts (gnomAD); Has not been previously published as pathogenic or benign to our knowledge; Nonsense variant predicted to result in protein truncation or nonsense mediated decay in a gene for which loss-of-function is not a known mechanism of disease